The following is an entry in ClinVar:

NM_000095.3(COMP):c.869A>G (p.Asp290Gly)

Gene: COMP (cartilage oligomeric matrix protein; minus strand). Cytogenetic location: 19p13.11.
Variant type: single nucleotide variant.
Coding change: c.869A>G on transcript NM_000095.3 (MANE Select); coding-DNA position 869, A replaced by G.
Protein change: p.Asp290Gly; replaces aspartic acid 290 with glycine.
Molecular consequence: missense variant.
Genome position (GRCh38, 1-based): chr19:18,788,318, T>C on the plus strand (A>G on the coding strand, the complement: COMP is on the minus strand). VCF-style: chr19-18788318-T-C. GRCh37 (hg19) VCF-style: chr19-18899127-T-C.
Other names: short protein forms D290G.
Identifiers: ClinVar variation 595208 (VCV000595208.7), dbSNP rs1568556118, ClinGen allele CA404891877.
Genomic context (GRCh38, chr19:18,788,318, plus strand): 5'-TCTCCGATGCCATCGCGGTCCACATCCTCCTGCCCTGAGTTGGGCACAGTCACGCAGTTG[T>C]CCTGGGGGCGGGCACAGAAGGTGTGAGGGGCGCGGTCATGAAGTCCCGCCCTCCCTCCTG-3'
Protein context (NP_000086.2, residues 280-300): LRCPERQCRK[Asp290Gly]NCVTVPNSGQ

ClinVar aggregate classification (germline): Conflicting classifications of pathogenicity. Review status: criteria provided, conflicting classifications (1 of 4 stars). 3 submissions from 3 submitters: Likely pathogenic (1); Uncertain significance (2). Last evaluated 2026-03-10.

Conditions:
Pseudoachondroplastic spondyloepiphyseal dysplasia syndrome (PSACH). Also called: COMP-Related Pseudoachondroplasia; PSEUDOACHONDROPLASTIC DYSPLASIA; Pseudoachondroplasia. Identifiers: Orphanet 750, MedGen C0410538, MONDO:0008322, OMIM 177170.

Submissions (3):

Clinical Biomedical Laboratory, Shriners Hospital For Children - Canada
Classification: Likely pathogenic for Pseudoachondroplastic spondyloepiphyseal dysplasia syndrome. Last evaluated: 2026-03-10. Review status: criteria provided, single submitter. Criteria: ACMG Guidelines, 2015. Collection method: clinical testing. Allele origin: germline. Affected: yes.
Comment: This variant is absent in the Genome Aggregation Database, v2.1.1. Computational tools: (SIFT = 0, damaging; Polyphen-2 = 1.0, detrimental; PhyloP = 7.7 conserved) suggest that the amino acid is conserved and that the change is detrimental to protein function. COMP variants are associated with pseudoachondroplasia, which corresponds to the clinical diagnosis of the proband. Based on the ACMG variant interpretation guidelines, the available evidence supports classification of this variant as likely pathogenic.

Labcorp Genetics (formerly Invitae), Labcorp
Classification: Uncertain significance. Last evaluated: 2024-12-03. Review status: criteria provided, single submitter. Criteria: Invitae Variant Classification Sherloc (09022015). Collection method: clinical testing. Allele origin: germline.
Comment: This sequence change replaces aspartic acid, which is acidic and polar, with glycine, which is neutral and non-polar, at codon 290 of the COMP protein (p.Asp290Gly). This variant is not present in population databases (gnomAD no frequency). This missense change has been observed in individuals with psuedoachondroplasia (PMID: 21922596). ClinVar contains an entry for this variant (Variation ID: 595208). An algorithm developed to predict the effect of missense changes on protein structure and function (PolyPhen-2) suggests that this variant is likely to be disruptive. This variant disrupts the p.Asp290 amino acid residue in COMP. Other variant(s) that disrupt this residue have been determined to be pathogenic (PMID: 9921895). This suggests that this residue is clinically significant, and that variants that disrupt this residue are likely to be disease-causing. In summary, the available evidence is currently insufficient to determine the role of this variant in disease. Therefore, it has been classified as a Variant of Uncertain Significance.

Eurofins Ntd Llc (ga)
Classification: Uncertain significance. Last evaluated: 2017-12-22. Review status: criteria provided, single submitter. Criteria: EGL Classification Definitions 2015. Collection method: clinical testing. Allele origin: germline. Observed: 1 variant allele, 1 heterozygote.

Literature cited by the submitters: PubMed 21922596 (cited by Labcorp Genetics (formerly Invitae), Labcorp); PubMed 9921895 (cited by Labcorp Genetics (formerly Invitae), Labcorp).